The following is an entry in ClinVar:

ClinVar aggregate classification (germline): Uncertain significance (1 of 4 stars; one submission).

Conditions:
Congenital myotonia, autosomal dominant form (THD). Also called: THOMSEN DISEASE; Myotonia congenita autosomal dominant. Identifiers: Orphanet 614, MedGen C2936781, MONDO:0008055, OMIM 160800.
Congenital myotonia, autosomal recessive form. Also called: Becker Generalized Myotonia; myotonia congenita, autosomal recessive; BECKER DISEASE. Identifiers: Orphanet 614, MedGen C0751360, MONDO:0009715, OMIM 255700.

Submission:

Labcorp Genetics (formerly Invitae), Labcorp
Classification: Uncertain significance for Congenital myotonia, autosomal recessive form; Congenital myotonia, autosomal dominant form. Last evaluated: 2024-03-28. Review status: criteria provided, single submitter. Criteria: Invitae Variant Classification Sherloc (09022015). Collection method: clinical testing. Allele origin: germline.
Comment: This sequence change replaces alanine, which is neutral and non-polar, with serine, which is neutral and polar, at codon 885 of the CLCN1 protein (p.Ala885Ser). This variant is not present in population databases (gnomAD no frequency). This variant has not been reported in the literature in individuals affected with CLCN1-related conditions. ClinVar contains an entry for this variant (Variation ID: 864388). Advanced modeling of protein sequence and biophysical properties (such as structural, functional, and spatial information, amino acid conservation, physicochemical variation, residue mobility, and thermodynamic stability) has been performed at Invitae for this missense variant, however the output from this modeling did not meet the statistical confidence thresholds required to predict the impact of this variant on CLCN1 protein function. In summary, the available evidence is currently insufficient to determine the role of this variant in disease. Therefore, it has been classified as a Variant of Uncertain Significance.

NM_000083.3(CLCN1):c.2653G>T (p.Ala885Ser)

Gene: CLCN1 (chloride voltage-gated channel 1; plus strand). Cytogenetic location: 7q34.
Variant type: single nucleotide variant.
Coding change: c.2653G>T on transcript NM_000083.3 (MANE Select); coding-DNA position 2653, G replaced by T.
Protein change: p.Ala885Ser; replaces alanine 885 with serine.
Molecular consequence: missense variant. On other transcripts: non-coding transcript variant (1).
Genome position (GRCh38, 1-based): chr7:143,351,651, G>T. VCF-style: chr7-143351651-G-T. GRCh37 (hg19) VCF-style: chr7-143048744-G-T.
Other names: short protein forms A885S.
Identifiers: ClinVar variation 864388 (VCV000864388.11), dbSNP rs1803409136, ClinGen allele CA369653540.